The following is an entry in ClinVar:

ClinVar aggregate classification (germline): Uncertain significance. Review status: criteria provided, multiple submitters, no conflicts (2 of 4 stars). 2 submissions from 2 submitters: Uncertain significance (2). Last evaluated 2022-10-11.

Conditions:
Microcephaly, normal intelligence and immunodeficiency (NBS). Also called: Nijmegen breakage syndrome; Microcephaly with normal intelligence immunodeficiency and lymphoreticular malignancies; Nonsyndromal microcephaly autosomal recessive with normal intelligence; Seemanova syndrome 2; Ataxia telangiectasia variant V1; BERLIN BREAKAGE SYNDROME. Identifiers: Orphanet 647, MedGen C0398791, MONDO:0009623, OMIM 251260.
Hereditary cancer-predisposing syndrome. Also called: Neoplastic Syndromes, Hereditary; Hereditary Cancer Syndrome; Hereditary neoplastic syndrome; Tumor predisposition. Identifiers: Orphanet 140162, MedGen C0027672, MeSH D009386, MONDO:0015356.

Submissions (2):

Labcorp Genetics (formerly Invitae), Labcorp
Classification: Uncertain significance for Microcephaly, normal intelligence and immunodeficiency. Last evaluated: 2022-10-11. Review status: criteria provided, single submitter. Criteria: Invitae Variant Classification Sherloc (09022015). Collection method: clinical testing. Allele origin: germline.
Comment: In summary, the available evidence is currently insufficient to determine the role of this variant in disease. Therefore, it has been classified as a Variant of Uncertain Significance. Variants that disrupt the consensus splice site are a relatively common cause of aberrant splicing (PMID: 17576681, 9536098). Algorithms developed to predict the effect of sequence changes on RNA splicing suggest that this variant is not likely to affect RNA splicing. ClinVar contains an entry for this variant (Variation ID: 826779). This variant has not been reported in the literature in individuals affected with NBN-related conditions. This variant is not present in population databases (gnomAD no frequency). This sequence change falls in intron 6 of the NBN gene. It does not directly change the encoded amino acid sequence of the NBN protein. It affects a nucleotide within the consensus splice site.

Ambry Genetics
Classification: Uncertain significance for Hereditary cancer-predisposing syndrome. Last evaluated: 2019-08-10. Review status: criteria provided, single submitter. Criteria: Ambry Variant Classification Scheme 2023. Collection method: clinical testing. Allele origin: germline.
Comment: The c.702+3A>G intronic variant results from an A to G substitution 3 nucleotides after coding exon 6 in the NBN gene. This nucleotide position is highly conserved in available vertebrate species. Using the BDGP and ESEfinder splice site prediction tools, this alteration is predicted to weaken the efficiency of the native splice donor site; however, direct evidence is unavailable. Since supporting evidence is limited at this time, the clinical significance of this alteration remains unclear.

Literature cited by the submitters: PubMed 17576681 (cited by Labcorp Genetics (formerly Invitae), Labcorp); PubMed 9536098 (cited by Labcorp Genetics (formerly Invitae), Labcorp).

NM_002485.5(NBN):c.702+3A>G

Gene: NBN (nibrin; minus strand). Cytogenetic location: 8q21.3.
Variant type: single nucleotide variant.
Coding change: c.702+3A>G on transcript NM_002485.5 (MANE Select); 3 bases into the intron after coding-DNA position 702, A replaced by G.
Molecular consequence: intron variant.
Genome position (GRCh38, 1-based): chr8:89,971,170, T>C on the plus strand (A>G on the coding strand, the complement: NBN is on the minus strand). VCF-style: chr8-89971170-T-C. GRCh37 (hg19) VCF-style: chr8-90983398-T-C.
Other names: c.456+3A>G (NM_001024688.3).
Identifiers: ClinVar variation 826779 (VCV000826779.9), dbSNP rs1586088320, ClinGen allele CA915945789.